The following is an entry in ClinVar:

ClinVar aggregate classification (germline): Uncertain significance (1 of 4 stars; one submission).

Submission:

GeneDx
Classification: Uncertain significance. Last evaluated: 2026-04-07. Review status: criteria provided, single submitter. Criteria: GeneDx Variant Classification Process June 2021. Collection method: clinical testing. Allele origin: germline.
Comment: Not observed at significant frequency in large population cohorts (gnomAD); In silico analysis supports that this missense variant has a deleterious effect on protein structure/function, and suggests this variant may impact gene splicing. In the absence of RNA/functional studies, the actual effect of this sequence change is unknown.; Has not been previously published as pathogenic or benign to our knowledge

NM_005765.3(ATP6AP2):c.746A>G (p.Asp249Gly)

Gene: ATP6AP2 (ATPase H+ transporting accessory protein 2; plus strand). Cytogenetic location: Xp11.4.
Variant type: single nucleotide variant.
Coding change: c.746A>G on transcript NM_005765.3 (MANE Select); coding-DNA position 746, A replaced by G.
Protein change: p.Asp249Gly; replaces aspartic acid 249 with glycine.
Molecular consequence: missense variant.
Genome position (GRCh38, 1-based): chrX:40,600,769, A>G. VCF-style: chrX-40600769-A-G. GRCh37 (hg19) VCF-style: chrX-40460021-A-G.
Other names: short protein forms D249G.
Identifiers: ClinVar variation 1698275 (VCV001698275.3), dbSNP rs2146544171, ClinGen allele CA412757365.